The following is an entry in ClinVar:

ClinVar aggregate classification (germline): Uncertain significance. Review status: criteria provided, multiple submitters, no conflicts (2 of 4 stars). 2 submissions from 2 submitters: Uncertain significance (2). Last evaluated 2025-02-22.

Conditions:
Inborn genetic diseases. Identifiers: MedGen C0950123, MeSH D030342.

Allele frequency attached by ClinVar (database versions not stated): ExAC 0.00001; gnomAD exomes 0.00002 and 0.00006; TOPMed 0.00003; gnomAD 0.00005.
gnomAD v4.1: 97 of 1,611,858 alleles (0.006%); highest among the groups gnomAD compares: Non-Finnish European, 0.0079%; no homozygotes.

Submissions (2):

Ambry Genetics
Classification: Uncertain significance for Inborn genetic diseases. Last evaluated: 2025-02-22. Review status: criteria provided, single submitter. Criteria: Ambry Variant Classification Scheme 2023. Collection method: clinical testing. Allele origin: germline.

Labcorp Genetics (formerly Invitae), Labcorp
Classification: Uncertain significance. Last evaluated: 2022-04-28. Review status: criteria provided, single submitter. Criteria: Invitae Variant Classification Sherloc (09022015). Collection method: clinical testing. Allele origin: germline.
Comment: This sequence change replaces valine, which is neutral and non-polar, with alanine, which is neutral and non-polar, at codon 557 of the LTBP4 protein (p.Val557Ala). This variant is present in population databases (rs749578668, gnomAD 0.004%). This variant has not been reported in the literature in individuals affected with LTBP4-related conditions. Experimental studies and prediction algorithms are not available or were not evaluated, and the functional significance of this variant is currently unknown. In summary, the available evidence is currently insufficient to determine the role of this variant in disease. Therefore, it has been classified as a Variant of Uncertain Significance.

NM_001042545.2(LTBP4):c.1580T>C (p.Val527Ala)

Gene: LTBP4 (latent transforming growth factor beta binding protein 4; plus strand). Cytogenetic location: 19q13.2.
Variant type: single nucleotide variant.
Coding change: c.1580T>C on transcript NM_001042545.2 (MANE Select); coding-DNA position 1580, T replaced by C.
Protein change: p.Val527Ala; replaces valine 527 with alanine.
Molecular consequence: missense variant.
Genome position (GRCh38, 1-based): chr19:40,609,767, T>C. VCF-style: chr19-40609767-T-C. GRCh37 (hg19) VCF-style: chr19-41115673-T-C.
Other names: c.1781T>C, p.Val594Ala (NM_001042544.1); c.1670T>C, p.Val557Ala (NM_003573.2); short protein forms V594A, V557A, V527A.
Identifiers: ClinVar variation 1370982 (VCV001370982.4), dbSNP rs749578668, ClinGen allele CA9448367.